The following is an entry in ClinVar:

ClinVar aggregate classification (germline): Uncertain significance. Review status: criteria provided, multiple submitters, no conflicts (2 of 4 stars). 3 submissions from 3 submitters: Uncertain significance (3). Last evaluated 2025-03-17.

Conditions:
Hypertrophic cardiomyopathy 20. Identifiers: MedGen C3151267, MONDO:0013477, OMIM 613876.
Dilated cardiomyopathy 1CC (CMD1CC). Identifiers: Orphanet 154, MedGen C2751084, MONDO:0013147, OMIM 613122.
NEXN-related disorder. Also called: NEXN-related condition; NEXN-related disorders.
Cardiovascular phenotype. Identifiers: MedGen CN230736.

Allele frequency attached by ClinVar (database versions not stated): gnomAD exomes 0.00001 and 0.00002; ExAC 0.00002; TOPMed 0.00002; gnomAD 0.00003 and 0.00004.
gnomAD v4.1: 28 of 1,613,634 alleles (0.0017%); highest among the groups gnomAD compares: South Asian, 0.0044%; no homozygotes.

Submissions (3):

PreventionGenetics, part of Exact Sciences
Classification: Uncertain significance for NEXN-related condition. Last evaluated: 2025-03-17. Review status: criteria provided, single submitter. Criteria: ACMG Guidelines, 2015. Collection method: clinical testing. Allele origin: germline.
Comment: The NEXN c.1892T>C variant is predicted to result in the amino acid substitution p.Ile631Thr. To our knowledge, this variant has not been reported in the literature in individuals with NEXN-related disorders. This variant is reported in 0.0065% of alleles in individuals of South Asian descent in gnomAD. At this time, the clinical significance of this variant is uncertain due to the absence of conclusive functional and genetic evidence.

Ambry Genetics
Classification: Uncertain significance for Cardiovascular phenotype. Last evaluated: 2023-10-19. Review status: criteria provided, single submitter. Criteria: Ambry Variant Classification Scheme 2023. Collection method: clinical testing. Allele origin: germline.
Comment: The p.I631T variant (also known as c.1892T>C), located in coding exon 12 of the NEXN gene, results from a T to C substitution at nucleotide position 1892. The isoleucine at codon 631 is replaced by threonine, an amino acid with similar properties. This amino acid position is highly conserved in available vertebrate species. In addition, the in silico prediction for this alteration is inconclusive. Since supporting evidence is limited at this time, the clinical significance of this alteration remains unclear.

Labcorp Genetics (formerly Invitae), Labcorp
Classification: Uncertain significance for Dilated cardiomyopathy 1CC; Hypertrophic cardiomyopathy 20. Last evaluated: 2021-09-17. Review status: criteria provided, single submitter. Criteria: Invitae Variant Classification Sherloc (09022015). Collection method: clinical testing. Allele origin: germline.
Comment: This sequence change replaces isoleucine with threonine at codon 631 of the NEXN protein (p.Ile631Thr). The isoleucine residue is highly conserved and there is a moderate physicochemical difference between isoleucine and threonine. This variant is present in population databases (rs775292649, ExAC 0.01%). This variant has not been reported in the literature in individuals with NEXN-related conditions. ClinVar contains an entry for this variant (Variation ID: 298090). Algorithms developed to predict the effect of missense changes on protein structure and function are either unavailable or do not agree on the potential impact of this missense change (SIFT: "Deleterious"; PolyPhen-2: "Possibly Damaging"; Align-GVGD: "Class C0"). In summary, the available evidence is currently insufficient to determine the role of this variant in disease. Therefore, it has been classified as a Variant of Uncertain Significance.

NM_144573.4(NEXN):c.1892T>C (p.Ile631Thr)

Gene: NEXN (nexilin F-actin binding protein; plus strand). Cytogenetic location: 1p31.1.
Variant type: single nucleotide variant.
Coding change: c.1892T>C on transcript NM_144573.4 (MANE Select); coding-DNA position 1892, T replaced by C.
Protein change: p.Ile631Thr; replaces isoleucine 631 with threonine.
Molecular consequence: missense variant.
Genome position (GRCh38, 1-based): chr1:77,942,693, T>C. VCF-style: chr1-77942693-T-C. GRCh37 (hg19) VCF-style: chr1-78408378-T-C.
Other names: c.1700T>C, p.Ile567Thr (NM_001172309.2); short protein forms I631T, I567T.
Identifiers: ClinVar variation 298090 (VCV000298090.12), dbSNP rs775292649, ClinGen allele CA919000.